The following is an entry in ClinVar:

NM_017654.4(SAMD9):c.4230del (p.Lys1410fs)

Gene: SAMD9 (sterile alpha motif domain containing 9; minus strand). Cytogenetic location: 7q21.2.
Variant type: Deletion.
Coding change: c.4230del on transcript NM_017654.4 (MANE Select); coding-DNA position 4230, one base deleted (A; older notation c.4230delA).
Protein change: p.Lys1410fs; shifts the reading frame from lysine 1410.
Molecular consequence: frameshift variant.
Genome position (GRCh38, 1-based): chr7:93,101,868, T deleted on the plus strand (A on the coding strand, the reverse complement: SAMD9 is on the minus strand); the first of 5 consecutive T bases (chr7:93,101,868-93,101,872); deleting any one gives the same sequence. VCF-style (leftmost placement, unchanged base first): chr7-93101867-GT-G. GRCh37 (hg19) VCF-style: chr7-92731180-GT-G.
Other names: c.4230del, p.Lys1410fs (NM_001193307.2); short protein forms K1410fs.
Identifiers: ClinVar variation 1706652 (VCV001706652.4), dbSNP rs1791536287, ClinGen allele CA1104512857.

ClinVar aggregate classification (germline): Uncertain significance. Review status: criteria provided, multiple submitters, no conflicts (2 of 4 stars). 2 submissions from 2 submitters: Uncertain significance (2). Last evaluated 2024-05-13.

Submissions (2):

Labcorp Genetics (formerly Invitae), Labcorp
Classification: Uncertain significance. Last evaluated: 2024-05-13. Review status: criteria provided, single submitter. Criteria: Invitae Variant Classification Sherloc (09022015). Collection method: clinical testing. Allele origin: germline.
Comment: This sequence change creates a premature translational stop signal (p.Lys1410Asnfs*2) in the SAMD9 gene. While this is not anticipated to result in nonsense mediated decay, it is expected to disrupt the last 180 amino acid(s) of the SAMD9 protein. This variant is not present in population databases (gnomAD no frequency). This variant has not been reported in the literature in individuals affected with SAMD9-related conditions. ClinVar contains an entry for this variant (Variation ID: 1706652). Experimental studies and prediction algorithms are not available or were not evaluated, and the functional significance of this variant is currently unknown. In summary, the available evidence is currently insufficient to determine the role of this variant in disease. Therefore, it has been classified as a Variant of Uncertain Significance.

GeneDx
Classification: Uncertain significance. Last evaluated: 2022-03-25. Review status: criteria provided, single submitter. Criteria: GeneDx Variant Classification Process June 2021. Collection method: clinical testing. Allele origin: germline. Affected: yes.
Comment: Frameshift variant predicted to result in protein truncation, as the last 180 amino acids are replaced with 1 different amino acid, and other loss-of-function variants have been reported downstream in HGMD; Not observed at significant frequency in large population cohorts (gnomAD); Has not been previously published as pathogenic or benign to our knowledge